The following is an entry in ClinVar:

NM_004260.4(RECQL4):c.497A>G (p.Gln166Arg)

Gene: RECQL4 (RecQ like helicase 4; minus strand). Cytogenetic location: 8q24.3.
Variant type: single nucleotide variant.
Coding change: c.497A>G on transcript NM_004260.4 (MANE Select); coding-DNA position 497, A replaced by G.
Protein change: p.Gln166Arg; replaces glutamine 166 with arginine.
Molecular consequence: missense variant.
Genome position (GRCh38, 1-based): chr8:144,516,622, T>C on the plus strand (A>G on the coding strand, the complement: RECQL4 is on the minus strand). VCF-style: chr8-144516622-T-C. GRCh37 (hg19) VCF-style: chr8-145742006-T-C.
Other names: short protein forms Q166R.
Identifiers: ClinVar variation 940594 (VCV000940594.6), dbSNP rs1815064202, ClinGen allele CA372691250.

ClinVar aggregate classification (germline): Uncertain significance. Review status: criteria provided, multiple submitters, no conflicts (2 of 4 stars). 2 submissions from 2 submitters: Uncertain significance (2). Last evaluated 2025-06-21.

Conditions:
Baller-Gerold syndrome (BGS). Also called: CRANIOSYNOSTOSIS WITH RADIAL DEFECTS. Identifiers: Orphanet 1225, MedGen C0265308, MONDO:0009039, OMIM 218600.
Inborn genetic diseases. Identifiers: MedGen C0950123, MeSH D030342.

Submissions (2):

Ambry Genetics
Classification: Uncertain significance for Inborn genetic diseases. Last evaluated: 2025-06-21. Review status: criteria provided, single submitter. Criteria: Ambry Variant Classification Scheme 2023. Collection method: clinical testing. Allele origin: germline.
Comment: The p.Q166R variant (also known as c.497A>G), located in coding exon 5 of the RECQL4 gene, results from an A to G substitution at nucleotide position 497. The glutamine at codon 166 is replaced by arginine, an amino acid with highly similar properties. This amino acid position is conserved. In addition, this alteration is predicted to be tolerated by in silico analysis. Based on the available evidence, the clinical significance of this variant remains unclear.

Labcorp Genetics (formerly Invitae), Labcorp
Classification: Uncertain significance for Baller-Gerold syndrome. Last evaluated: 2023-11-17. Review status: criteria provided, single submitter. Criteria: Invitae Variant Classification Sherloc (09022015). Collection method: clinical testing. Allele origin: germline.
Comment: This sequence change replaces glutamine, which is neutral and polar, with arginine, which is basic and polar, at codon 166 of the RECQL4 protein (p.Gln166Arg). This variant is not present in population databases (gnomAD no frequency). This variant has not been reported in the literature in individuals affected with RECQL4-related conditions. ClinVar contains an entry for this variant (Variation ID: 940594). Algorithms developed to predict the effect of missense changes on protein structure and function output the following: SIFT: "Not Available"; PolyPhen-2: "Not Available"; Align-GVGD: "Not Available". The arginine amino acid residue is found in multiple mammalian species, which suggests that this missense change does not adversely affect protein function. In summary, the available evidence is currently insufficient to determine the role of this variant in disease. Therefore, it has been classified as a Variant of Uncertain Significance.